The following is an entry in ClinVar:

NM_001160148.2(DDHD1):c.1624A>G (p.Ile542Val)

Gene: DDHD1 (DDHD domain containing 1; minus strand). Cytogenetic location: 14q22.1.
Variant type: single nucleotide variant.
Coding change: c.1624A>G on transcript NM_001160148.2 (MANE Select); coding-DNA position 1624, A replaced by G.
Protein change: p.Ile542Val; replaces isoleucine 542 with valine.
Molecular consequence: missense variant.
Genome position (GRCh38, 1-based): chr14:53,063,085, T>C on the plus strand (A>G on the coding strand, the complement: DDHD1 is on the minus strand). VCF-style: chr14-53063085-T-C. GRCh37 (hg19) VCF-style: chr14-53529803-T-C.
Other names: c.1645A>G, p.Ile549Val (NM_001160147.2); c.1624A>G, p.Ile542Val (NM_030637.3); short protein forms I542V, I549V.
Identifiers: ClinVar variation 3371170 (VCV003371170.1).
Genomic context (GRCh38, chr14:53,063,085, plus strand): 5'-TTTGCAGCAACTGTTCATACAGCCGAACTGGATTCCAGCCAGTCATTATGTCATAAGTAA[T>C]TACACATCCCAAGGAATGTGATACTATTGAGACTTTACCCCCTTTTTCTTCAAAGTCTGG-3'
Protein context (NP_001153620.1, residues 532-552): SIVSHSLGCV[Ile542Val]TYDIMTGWNP

ClinVar aggregate classification (germline): Uncertain significance (1 of 4 stars; one submission).

gnomAD v4.1: 1 of 1,614,108 alleles (0.000062%); highest among the groups gnomAD compares: Non-Finnish European, 0.000085%; no homozygotes.

Submission:

GeneDx
Classification: Uncertain significance. Last evaluated: 2024-03-26. Review status: criteria provided, single submitter. Criteria: GeneDx Variant Classification Process June 2021. Collection method: clinical testing. Allele origin: germline. Affected: yes.
Comment: Not observed at significant frequency in large population cohorts (gnomAD); In silico analysis supports that this missense variant does not alter protein structure/function; Has not been previously published as pathogenic or benign to our knowledge